The following is an entry in ClinVar:

NM_058179.4(PSAT1):c.228del (p.Gly77fs)

Gene: PSAT1 (phosphoserine aminotransferase 1; plus strand). Cytogenetic location: 9q21.2.
Variant type: Deletion.
Coding change: c.228del on transcript NM_058179.4 (MANE Select); coding-DNA position 228, one base deleted (A; older notation c.228delA).
Protein change: p.Gly77fs; shifts the reading frame from glycine 77.
Molecular consequence: frameshift variant.
Genome position (GRCh38, 1-based): chr9:78,304,771, A deleted; the last of 2 consecutive A bases (chr9:78,304,770-78,304,771); deleting either gives the same sequence. VCF-style (leftmost placement, unchanged base first): chr9-78304769-CA-C. GRCh37 (hg19) VCF-style: chr9-80919685-CA-C.
Other names: c.228del, p.Gly77fs (NM_021154.5); short protein forms G77fs.
Identifiers: ClinVar variation 2097356 (VCV002097356.4), dbSNP rs2489639860, ClinGen allele CA2580080607.
Genomic context (GRCh38, chr9:78,304,769, plus strand): 5'-TGACTGTTACCTATGCTTCTGCCCAGAGCTGTTCCAGACAACTATAAGGTGATTTTTCTG[CA>C]AGGAGGTGGGTGCGGCCAGTTCAGTGCTGTCCCCTTAAACCTCATTGGCTTGAAAGCAGG-3'

ClinVar aggregate classification (germline): Pathogenic (1 of 4 stars; one submission).

Conditions:
Neu-Laxova syndrome 2. Identifiers: Orphanet 2671, Orphanet 583602, MedGen C4015019, MONDO:0014466, OMIM 616038.

Submission:

Labcorp Genetics (formerly Invitae), Labcorp
Classification: Pathogenic for Neu-Laxova syndrome 2. Last evaluated: 2022-02-13. Review status: criteria provided, single submitter. Criteria: Invitae Variant Classification Sherloc (09022015). Collection method: clinical testing. Allele origin: germline.
Comment: This sequence change creates a premature translational stop signal (p.Gly77Glufs*12) in the PSAT1 gene. It is expected to result in an absent or disrupted protein product. Loss-of-function variants in PSAT1 are known to be pathogenic (PMID: 17436247, 25152457). For these reasons, this variant has been classified as Pathogenic. Algorithms developed to predict the effect of sequence changes on RNA splicing suggest that this variant may create or strengthen a splice site. This variant has not been reported in the literature in individuals affected with PSAT1-related conditions. This variant is not present in population databases (gnomAD no frequency).

Literature cited by the submitters: PubMed 17436247; PubMed 25152457.